The following is an entry in ClinVar:

NM_003722.5(TP63):c.1394C>T (p.Pro465Leu)

Gene: TP63 (tumor protein p63; plus strand). Cytogenetic location: 3q28.
Variant type: single nucleotide variant.
Coding change: c.1394C>T on transcript NM_003722.5 (MANE Select); coding-DNA position 1394, C replaced by T.
Protein change: p.Pro465Leu; replaces proline 465 with leucine.
Molecular consequence: missense variant.
Genome position (GRCh38, 1-based): chr3:189,886,438, C>T. VCF-style: chr3-189886438-C-T. GRCh37 (hg19) VCF-style: chr3-189604227-C-T.
Other names: c.1394C>T, p.Pro465Leu (NM_001114978.2, NM_001329144.2); c.1112C>T, p.Pro371Leu (NM_001114980.2, NM_001114981.2, NM_001329145.2); c.857C>T, p.Pro286Leu (NM_001329146.2); c.1382C>T, p.Pro461Leu (NM_001329148.2); c.1100C>T, p.Pro367Leu (NM_001329149.2); c.845C>T, p.Pro282Leu (NM_001329150.2); c.1388C>T, p.Pro463Leu (NM_001329964.2); short protein forms P286L, P465L, P282L, P371L, P463L, P367L, P461L.
Identifiers: ClinVar variation 1522505 (VCV001522505.8), dbSNP rs775037738, ClinGen allele CA2752477.

ClinVar aggregate classification (germline): Uncertain significance. Review status: criteria provided, multiple submitters, no conflicts (2 of 4 stars). 2 submissions from 2 submitters: Uncertain significance (2). Last evaluated 2023-10-13.

Conditions:
TP63-Related Spectrum Disorders.
ADULT syndrome. Also called: ACRO-DERMATO-UNGUAL-LACRIMAL-TOOTH SYNDROME; Acro-dermato-ungual-lacrimal-tooth (adult) syndrome; Acro-Dermo-Ungual-Lacrimal-Tooth Syndrome (ADULT Syndrome). Identifiers: Orphanet 978, MedGen C1863204, MONDO:0007072, OMIM 103285.
Rapp-Hodgkin syndrome (RHS). Also called: ECTODERMAL DYSPLASIA, ANHIDROTIC, WITH CLEFT LIP/PALATE; Rapp-Hodgkin ectodermal dysplasia syndrome; Isolated Cleft Lip/Cleft Palate (Orofacial Cleft 8). Identifiers: MedGen C1785148, MONDO:0007508, OMIM 129400.
Ankyloblepharon-ectodermal defects-cleft lip/palate syndrome. Also called: Hay-Wells syndrome of ectodermal dysplasia; AEC SYNDROME; HAY-WELLS SYNDROME; Ankyloblepharon-ectodermal defects, cleft lip/palate; Ankyloblepharon-Ectodermal Defects-Cleft Lip/Palate Syndrome (AEC Syndrome). Identifiers: Orphanet 1071, MedGen C0406709, MONDO:0007124, OMIM 106260.
Ectrodactyly, ectodermal dysplasia, and cleft lip-palate syndrome 3. Also called: Ectrodactyly, Ectodermal Dysplasia, Clefting Syndrome; EEC SYNDROME 3; Ectrodactyly, Ectodermal Dysplasia, Cleft Lip/Palate Syndrome 3 (EEC3); Ectrodactyly, Ectodermal Dysplasia, Clefting Syndrome Type 3 (EEC3). Identifiers: Orphanet 1896, MedGen C1858562, MONDO:0011428, OMIM 604292.
Split hand-foot malformation 4. Also called: Split-Hand/Foot Malformation Type 4 (SHFM4); Split-Hand/Foot Malformation Type 4 (SHFM4 syndrome). Identifiers: Orphanet 2440, MedGen C1854442, MONDO:0011535, OMIM 605289.
Limb-mammary syndrome (LMS). Also called: Mammary hypoplasia, ectrodactyly, and other hand/foot anomalies. Identifiers: Orphanet 69085, MedGen C1863753, MONDO:0011334, OMIM 603543.
Orofacial cleft 8. Also called: Cleft lip with or without cleft palate, nonsyndromic, 8. Identifiers: MedGen C1851878, MONDO:0029145, OMIM 618149.

Allele frequency attached by ClinVar (database versions not stated): ExAC 0.00001; gnomAD 0.00001; TOPMed 0.00001; gnomAD exomes 0.00002 and 0.00001.
gnomAD v4.1: 13 of 1,613,998 alleles (0.00081%); highest among the groups gnomAD compares: Non-Finnish European, 0.0011%; no homozygotes.

Submissions (2):

Labcorp Genetics (formerly Invitae), Labcorp
Classification: Uncertain significance. Last evaluated: 2023-10-13. Review status: criteria provided, single submitter. Criteria: Invitae Variant Classification Sherloc (09022015). Collection method: clinical testing. Allele origin: germline.
Comment: This sequence change replaces proline, which is neutral and non-polar, with leucine, which is neutral and non-polar, at codon 465 of the TP63 protein (p.Pro465Leu). This variant is present in population databases (rs775037738, gnomAD 0.004%). This variant has not been reported in the literature in individuals affected with TP63-related conditions. ClinVar contains an entry for this variant (Variation ID: 1522505). Advanced modeling of protein sequence and biophysical properties (such as structural, functional, and spatial information, amino acid conservation, physicochemical variation, residue mobility, and thermodynamic stability) has been performed at Invitae for this missense variant, however the output from this modeling did not meet the statistical confidence thresholds required to predict the impact of this variant on TP63 protein function. In summary, the available evidence is currently insufficient to determine the role of this variant in disease. Therefore, it has been classified as a Variant of Uncertain Significance.

Fulgent Genetics
Classification: Uncertain significance for ADULT syndrome; Ankyloblepharon-ectodermal defects-cleft lip/palate syndrome; Rapp-Hodgkin syndrome; Limb-mammary syndrome; Ectrodactyly, ectodermal dysplasia, and cleft lip-palate syndrome 3; Split hand-foot malformation 4; Orofacial cleft 8. Last evaluated: 2022-04-15. Review status: criteria provided, single submitter. Criteria: ACMG Guidelines, 2015. Collection method: clinical testing. Allele origin: unknown.